The following is an entry in ClinVar:

NM_001127511.3(APC):c.-133del

Gene: APC (APC regulator of Wnt signaling pathway; plus strand). Cytogenetic location: 5q22.2.
Variant type: Deletion.
Coding change: c.-133del on transcript NM_001127511.3; 133 bases upstream of the start codon, one base deleted (C; older notation c.-133delC).
Molecular consequence: 5 prime UTR variant. On other transcripts: non-coding transcript variant (2).
Genome position (GRCh38, 1-based): chr5:112,707,585, C deleted. VCF-style (leftmost placement, unchanged base first): chr5-112707584-TC-T. GRCh37 (hg19) VCF-style: chr5-112043281-TC-T.
Other names: c.-316del (NM_001354895.2, NM_001407447.1, NM_001407452.1 and 3 more transcripts); c.-133del (NM_001354897.2, NM_001354902.2, NM_001407446.1); c.-83del (NM_001407448.1, NM_001407450.1, NM_001407457.1 and 1 more transcripts); c.-107del (NM_001407453.1); c.-1351del (NM_001407470.1, NM_001407472.1).
Identifiers: ClinVar variation 1025492 (VCV001025492.45), dbSNP rs371478422, ClinGen allele CA802057107.

ClinVar aggregate classification (germline): Uncertain significance (1 of 4 stars; one submission).

Conditions:
Familial adenomatous polyposis 1 (FAP1). Also called: FAMILIAL ADENOMATOUS POLYPOSIS 1, ATTENUATED; POLYPOSIS, ADENOMATOUS INTESTINAL. Identifiers: MedGen C2713442, MONDO:0021056, OMIM 175100. Disease mechanism: loss of function.

Allele frequency attached by ClinVar (database versions not stated): gnomAD 0.00001; TOPMed 0.00001; gnomAD exomes 0.00002.

Submission:

Labcorp Genetics (formerly Invitae), Labcorp
Classification: Uncertain significance for Familial adenomatous polyposis 1. Last evaluated: 2025-08-13. Review status: criteria provided, single submitter. Criteria: Invitae Variant Classification Sherloc (09022015). Collection method: clinical testing. Allele origin: germline.
Comment: This variant occurs in a non-coding region of the APC gene. It does not change the encoded amino acid sequence of the APC protein. This variant is not present in population databases (gnomAD no frequency). This variant has not been reported in the literature in individuals affected with APC-related conditions. Experimental studies and prediction algorithms are not available or were not evaluated, and the functional significance of this variant is currently unknown. In summary, the available evidence is currently insufficient to determine the role of this variant in disease. Therefore, it has been classified as a Variant of Uncertain Significance.